The following is an entry in ClinVar:

ClinVar aggregate classification (germline): Uncertain significance. Review status: criteria provided, multiple submitters, no conflicts (2 of 4 stars). 4 submissions from 4 submitters: Uncertain significance (3). 1 of the submissions does not count toward it. Last evaluated 2022-12-10.

Conditions:
Fanconi anemia complementation group J. Also called: BRIP1-Related Fanconi Anemia. Identifiers: Orphanet 84, MedGen C1836860, MONDO:0012187, OMIM 609054.
Familial cancer of breast. Also called: BREAST CANCER, FAMILIAL; hereditary breast carcinoma; Hereditary breast cancer. Identifiers: Orphanet 227535, MedGen C0346153, MONDO:0016419, OMIM 114480. Disease mechanism: loss of function.
Hereditary cancer-predisposing syndrome. Also called: Tumor predisposition; Hereditary neoplastic syndrome; Neoplastic Syndromes, Hereditary; Hereditary Cancer Syndrome. Identifiers: Orphanet 140162, MedGen C0027672, MeSH D009386, MONDO:0015356.

gnomAD v4.1: 4 of 1,613,990 alleles (0.00025%); highest among the groups gnomAD compares: East Asian, 0.0089%; no homozygotes.

Submissions (4):

Ambry Genetics
Classification: Uncertain significance for Hereditary cancer-predisposing syndrome. Last evaluated: 2022-12-10. Review status: criteria provided, single submitter. Criteria: Ambry Variant Classification Scheme 2023. Collection method: clinical testing. Allele origin: germline.
Comment: The p.L325F variant (also known as c.975A>T), located in coding exon 7 of the BRIP1 gene, results from an A to T substitution at nucleotide position 975. The leucine at codon 325 is replaced by phenylalanine, an amino acid with highly similar properties. This alteration has been reported in 0/7636 unselected prostate cancer patients and 7/12366 male controls of Japanese ancestry (Momozawa Y et al. J. Natl. Cancer Inst., 2019 Jun;:). This amino acid position is well conserved in available vertebrate species. In addition, this alteration is predicted to be tolerated by in silico analysis. Since supporting evidence is limited at this time, the clinical significance of this alteration remains unclear.

Women's Health and Genetics/Laboratory Corporation of America, LabCorp
Classification: Uncertain significance. Last evaluated: 2022-06-23. Review status: criteria provided, single submitter. Criteria: LabCorp Variant Classification Summary - May 2015. Collection method: clinical testing. Allele origin: germline.

Labcorp Genetics (formerly Invitae), Labcorp
Classification: Uncertain significance for Familial cancer of breast; Fanconi anemia complementation group J. Last evaluated: 2021-09-21. Review status: criteria provided, single submitter. Criteria: Invitae Variant Classification Sherloc (09022015). Collection method: clinical testing. Allele origin: germline.
Comment: In summary, the available evidence is currently insufficient to determine the role of this variant in disease. Therefore, it has been classified as a Variant of Uncertain Significance. Algorithms developed to predict the effect of missense changes on protein structure and function output the following: SIFT: "Deleterious"; PolyPhen-2: "Benign"; Align-GVGD: "Class C15". The phenylalanine amino acid residue is found in multiple mammalian species, which suggests that this missense change does not adversely affect protein function. ClinVar contains an entry for this variant (Variation ID: 929526). This missense change has been observed in individual(s) with prostate cancer (PMID: 31214711). This variant is not present in population databases (ExAC no frequency). This sequence change replaces leucine with phenylalanine at codon 325 of the BRIP1 protein (p.Leu325Phe). The leucine residue is highly conserved and there is a small physicochemical difference between leucine and phenylalanine.

Leiden Open Variation Database
Classification: Uncertain significance. Last evaluated: 2019-08-13. Review status: no assertion criteria provided. Collection method: curation. Allele origin: germline. Affected: yes. Not counted in ClinVar's aggregate classification.
Comment: Curator: Arleen D. Auerbach. Submitter to LOVD: Yukihide Momozawa.

Literature cited by the submitters: PubMed 31214711 (cited by 3 submitters).

NM_032043.3(BRIP1):c.975A>T (p.Leu325Phe)

Gene: BRIP1 (BRCA1 interacting DNA helicase 1; minus strand). Cytogenetic location: 17q23.2.
Variant type: single nucleotide variant.
Coding change: c.975A>T on transcript NM_032043.3 (MANE Select); coding-DNA position 975, A replaced by T.
Protein change: p.Leu325Phe; replaces leucine 325 with phenylalanine.
Molecular consequence: missense variant.
Genome position (GRCh38, 1-based): chr17:61,801,418, T>A on the plus strand (A>T on the coding strand, the complement: BRIP1 is on the minus strand). VCF-style: chr17-61801418-T-A. GRCh37 (hg19) VCF-style: chr17-59878779-T-A.
Other names: short protein forms L325F.
Identifiers: ClinVar variation 929526 (VCV000929526.9), dbSNP rs771630777, ClinGen allele CA400484198.
Genomic context (GRCh38, chr17:61,801,418, plus strand): 5'-CTTCCCCAGGCTGACAAGTTCTTCTATATCCCAGGCTTTGCACATCCCTTGGAAAGTCTG[T>A]AATGTGTGCTGATCACTAATTTTATGAACTCCATGATAAAAATAGCAGGATTTTCCCTAG-3'
Protein context (NP_114432.2, residues 315-335): GVHKISDQHT[Leu325Phe]QTFQGMCKAW